The following is an entry in ClinVar:

ClinVar aggregate classification (germline): Uncertain significance (1 of 4 stars; one submission).

gnomAD v4.1: 1 of 1,614,204 alleles (0.000062%); highest among the groups gnomAD compares: Non-Finnish European, 0.000085%; no homozygotes.

Submission:

GeneDx
Classification: Uncertain significance. Last evaluated: 2025-04-19. Review status: criteria provided, single submitter. Criteria: GeneDx Variant Classification Process June 2021. Collection method: clinical testing. Allele origin: germline. Affected: yes.
Comment: Not observed at significant frequency in large population cohorts (gnomAD); In silico analysis supports that this missense variant has a deleterious effect on protein structure/function; Has not been previously published as pathogenic or benign to our knowledge

NM_000257.4(MYH7):c.4861G>A (p.Asp1621Asn)

Genes: MHRT (myosin heavy chain associated RNA transcript; plus strand), MYH7 (myosin heavy chain 7; minus strand), LOC126861897 (BRD4-independent group 4 enhancer GRCh37_chr14:23884455-23885654; plus strand). Cytogenetic location: 14q11.2.
Variant type: single nucleotide variant.
Coding change: c.4861G>A on transcript NM_000257.4 (MANE Select); coding-DNA position 4861, G replaced by A.
Protein change: p.Asp1621Asn; replaces aspartic acid 1621 with asparagine.
Molecular consequence: missense variant. On other transcripts: non-coding transcript variant (1).
Genome position (GRCh38, 1-based): chr14:23,416,096, C>T on the plus strand (G>A on the coding strand, the complement: MYH7 is on the minus strand). VCF-style: chr14-23416096-C-T. GRCh37 (hg19) VCF-style: chr14-23885305-C-T.
Other names: c.4861G>A, p.Asp1621Asn (NM_001407004.1); short protein forms D1621N.
Identifiers: ClinVar variation 4282336 (VCV004282336.1).